The following is an entry in ClinVar:

ClinVar aggregate classification (germline): Conflicting classifications of pathogenicity. Review status: criteria provided, conflicting classifications (1 of 4 stars). 23 submissions from 19 submitters: Uncertain significance (3); Benign (4); Likely benign (10). 6 of the submissions do not count toward it. Last evaluated 2026-02-04.

Conditions:
TTN-related disorder. Also called: TTN-related disorders; TTN-related condition; TTN-related disease.
Dilated cardiomyopathy 1G (CMD1G). Identifiers: Orphanet 154, MedGen C1858763, MONDO:0011400, OMIM 604145.
Autosomal recessive limb-girdle muscular dystrophy type 2J (LGMDR10). Also called: MUSCULAR DYSTROPHY, LIMB-GIRDLE, AUTOSOMAL RECESSIVE 10; Limb-girdle muscular dystrophy, type 2J. Identifiers: Orphanet 140922, MedGen C1837342, MONDO:0012127, OMIM 608807.
Cardiomyopathy (CMYO). Also called: Cardiomyopathies. Identifiers: Orphanet 167848, MedGen C0878544, MONDO:0004994, HP:0001638. Inheritance: Various modes of inheritance.
Early-onset myopathy with fatal cardiomyopathy (CMYO5). Also called: CONGENITAL MYOPATHY 5 WITH CARDIOMYOPATHY; Salih Myopathy. Identifiers: Orphanet 289377, MedGen C2673677, MONDO:0012714, OMIM 611705. Disease mechanism: loss of function.
Myopathy, myofibrillar, 9, with early respiratory failure (MFM9). Also called: Myopathy, distal, with early respiratory failure, autosomal dominant; Hereditary myopathy with early respiratory failure; MYOPATHY, PROXIMAL, WITH EARLY RESPIRATORY MUSCLE INVOLVEMENT; EDSTROM MYOPATHY. Identifiers: Orphanet 178464, Orphanet 34521, MedGen C1863599, MONDO:0011362, OMIM 603689.
Tibial muscular dystrophy (TMD). Also called: Udd Distal Myopathy – Tibial Muscular Dystrophy; Tibial muscular dystrophy, tardive; UDD MYOPATHY. Identifiers: Orphanet 609, MedGen C1838244, MONDO:0010870, OMIM 600334.

Allele frequency attached by ClinVar (database versions not stated): ESP Exome Variant Server 0.00161; gnomAD exomes 0.00212 and 0.00156; 1000 Genomes Project 0.00080; gnomAD 0.00134 and 0.00133; 1000 Genomes Project 30x 0.00094; TOPMed 0.00137; ExAC 0.00242.
gnomAD v4.1: 3,227 of 1,602,160 alleles (0.2%); highest among the groups gnomAD compares: Middle Eastern, 0.31%; 6 homozygotes.

Submissions (23):

Labcorp Genetics (formerly Invitae), Labcorp
Classification: Likely benign for Dilated cardiomyopathy 1G; Autosomal recessive limb-girdle muscular dystrophy type 2J. Last evaluated: 2026-02-04. Review status: criteria provided, single submitter. Criteria: Invitae Variant Classification Sherloc (09022015). Collection method: clinical testing. Allele origin: germline.

CeGaT Center for Human Genetics Tuebingen
Classification: Likely benign. Last evaluated: 2025-12-01. Review status: criteria provided, single submitter. Criteria: CeGaT Center For Human Genetics Tuebingen Variant Classification Criteria Version 2. Collection method: clinical testing. Allele origin: germline. Affected: yes. Observed: 19 variant alleles.
Comment: TTN: BP4, BS2

Mayo Clinic Laboratories, Mayo Clinic
Classification: Likely benign. Last evaluated: 2025-11-20. Review status: criteria provided, single submitter. Criteria: ACMG Guidelines, 2015. Collection method: clinical testing. Allele origin: germline. Observed: 14 variant alleles.
Comment: BS1, BP4_moderate

Molecular Diagnostic Laboratory for Inherited Cardiovascular Disease, Montreal Heart Institute
Classification: Likely benign. Last evaluated: 2025-04-09. Review status: criteria provided, single submitter. Criteria: ACMG Guidelines, 2015. Collection method: clinical testing. Allele origin: germline. Affected: no.

ARUP Laboratories, Molecular Genetics and Genomics, ARUP Laboratories
Classification: Likely benign. Last evaluated: 2025-01-22. Review status: criteria provided, single submitter. Criteria: ARUP Molecular Germline Variant Investigation Process 2024. Collection method: clinical testing. Allele origin: germline.

Blueprint Genetics
Classification: Likely benign. Last evaluated: 2024-11-15. Review status: criteria provided, single submitter. Criteria: ACMG Guidelines, 2015. Collection method: clinical testing. Allele origin: germline.

CHEO Genetics Diagnostic Laboratory, Children's Hospital of Eastern Ontario
Classification: Benign for Cardiomyopathy. Last evaluated: 2023-03-03. Review status: criteria provided, single submitter. Criteria: ACMG Guidelines, 2015. Collection method: clinical testing. Allele origin: germline.

Women's Health and Genetics/Laboratory Corporation of America, LabCorp
Classification: Benign. Last evaluated: 2020-12-04. Review status: criteria provided, single submitter. Criteria: LabCorp Variant Classification Summary - May 2015. Collection method: clinical testing. Allele origin: germline.
Comment: Variant summary: TTN c.28748C>T (p.Ala9583Val) results in a non-conservative amino acid change located in the I-band region of the encoded protein sequence. Two of four in-silico tools predict a benign effect of the variant on protein function. The variant allele was found at a frequency of 0.0016 in 228620 control chromosomes, predominantly at a frequency of 0.0028 within the Non-Finnish European subpopulation in the gnomAD database. The observed variant frequency within Non-Finnish European control individuals in the gnomAD database is approximately 4 fold of the estimated maximal expected allele frequency for a pathogenic variant in TTN causing Cardiomyopathy phenotype (0.00063), strongly suggesting that the variant is a benign polymorphism found primarily in populations of Non-Finnish European origin. c.28748C>T has been reported in the literature in at least one individual affected with Sudden Arrhythmia Death Syndrome (Nunn_2016). This report does not provide unequivocal conclusions about association of the variant with Cardiomyopathy. Co-occurrence with a pathogenic variant has been reported (MYBPC3 c.3628-41_3628-17del25), providing supporting evidence for a benign role. To our knowledge, no experimental evidence demonstrating an impact on protein function has been reported. Seven clinical diagnostic laboratories have submitted clinical-significance assessments for this variant to ClinVar after 2014 without evidence for independent evaluation (benign/likely benign n=7, VUS n=1). Based on the evidence outlined above, the variant was classified as benign.

GeneDx
Classification: Likely benign. Last evaluated: 2020-10-05. Review status: criteria provided, single submitter. Criteria: GeneDx Variant Classification Process June 2021. Collection method: clinical testing. Allele origin: germline. Affected: yes.
Comment: This variant is associated with the following publications: (PMID: 24503780, 23861362, 23396983)

Illumina Laboratory Services, Illumina
Classification: Benign for Myopathy, myofibrillar, 9, with early respiratory failure. Last evaluated: 2018-01-12. Review status: criteria provided, single submitter. Criteria: ICSL Variant Classification Criteria 13 December 2019. Collection method: clinical testing. Allele origin: germline.
Comment: This variant was observed in the ICSL laboratory as part of a predisposition screen in an ostensibly healthy population. It had not been previously curated by ICSL or reported in the Human Gene Mutation Database (HGMD: prior to June 1st, 2018), and was therefore a candidate for classification through an automated scoring system. Utilizing variant allele frequency, disease prevalence and penetrance estimates, and inheritance mode, an automated score was calculated to assess if this variant is too frequent to cause the disease. Based on the score and internal cut-off values, a variant classified as benign is not then subjected to further curation. The score for this variant resulted in a classification of benign for this disease.

Illumina Laboratory Services, Illumina
Classification: Benign for Tibial muscular dystrophy. Last evaluated: 2018-01-12. Review status: criteria provided, single submitter. Criteria: ICSL Variant Classification Criteria 13 December 2019. Collection method: clinical testing. Allele origin: germline.
Comment: the same text as in the submission from Illumina Laboratory Services, Illumina above.

Illumina Laboratory Services, Illumina
Classification: Uncertain significance for Autosomal recessive limb-girdle muscular dystrophy type 2J. Last evaluated: 2018-01-12. Review status: criteria provided, single submitter. Criteria: ICSL Variant Classification Criteria 13 December 2019. Collection method: clinical testing. Allele origin: germline.

Illumina Laboratory Services, Illumina
Classification: Uncertain significance for Early-onset myopathy with fatal cardiomyopathy. Last evaluated: 2018-01-12. Review status: criteria provided, single submitter. Criteria: ICSL Variant Classification Criteria 13 December 2019. Collection method: clinical testing. Allele origin: germline.

Illumina Laboratory Services, Illumina
Classification: Uncertain significance for Dilated cardiomyopathy 1G. Last evaluated: 2018-01-12. Review status: criteria provided, single submitter. Criteria: ICSL Variant Classification Criteria 13 December 2019. Collection method: clinical testing. Allele origin: germline.

Laboratory for Molecular Medicine, Mass General Brigham Personalized Medicine
Classification: Likely benign. Last evaluated: 2016-04-14. Review status: criteria provided, single submitter. Criteria: LMM Criteria. Collection method: clinical testing. Allele origin: germline. Observed: 10 variant alleles.
Comment: p.Ala9583Val in exon 127 of TTN: This variant is not expected to have clinical s ignificance due to a lack of conservation across species, including mammals. Of note, 7 mammals have a valine (Val) at this position despite high nearby amino a cid conservation. This variant has also been identified in 0.4% (138/32684) of European chromosomes including 1 homozygote by the Exome Aggregation Consortium (ExAC; dbSNP 72650030).

Eurofins Ntd Llc (ga)
Classification: Likely benign. Last evaluated: 2015-04-20. Review status: criteria provided, single submitter. Criteria: EGL Classification Definitions 2015. Collection method: clinical testing. Allele origin: germline. Observed: 4 variant alleles, 4 heterozygotes.

Biesecker Lab/Clinical Genomics Section, National Institutes of Health
Classification: Likely benign. Last evaluated: 2013-06-24. Review status: criteria provided, single submitter. Criteria: Ng et al. (Circ Cardiovasc Genet. 2013). Collection method: research. Allele origin: unknown. Observed: 2 variant alleles. Study: ClinSeq.
Comment: The study set was not selected for affection status in relation to any cancer. Pathogenicity categories were based on literature curation. See Pubmed ID:23861362 for details.

Medical sequencing

PreventionGenetics, part of Exact Sciences
Classification: Likely benign for TTN-related condition. Last evaluated: 2022-03-10. Review status: no assertion criteria provided. Collection method: clinical testing. Allele origin: germline. Not counted in ClinVar's aggregate classification.
Comment: This variant is classified as likely benign based on ACMG/AMP sequence variant interpretation guidelines (Richards et al. 2015 PMID: 25741868, with internal and published modifications).

Clinical Genetics DNA and cytogenetics Diagnostics Lab, Erasmus MC, Erasmus Medical Center
Classification: Likely benign. Review status: no assertion criteria provided. Collection method: clinical testing. Allele origin: germline. Affected: yes. Study: VKGL Data-share Consensus. Not counted in ClinVar's aggregate classification.

Clinical Genetics, Academic Medical Center
Classification: Benign. Review status: no assertion criteria provided. Collection method: clinical testing. Allele origin: germline. Affected: yes. Study: VKGL Data-share Consensus. Not counted in ClinVar's aggregate classification.

Diagnostic Laboratory, Department of Genetics, University Medical Center Groningen
Classification: Likely benign. Review status: no assertion criteria provided. Collection method: clinical testing. Allele origin: germline. Affected: yes. Study: VKGL Data-share Consensus. Not counted in ClinVar's aggregate classification.

Genome Diagnostics Laboratory, University Medical Center Utrecht
Classification: Likely benign. Review status: no assertion criteria provided. Collection method: clinical testing. Allele origin: germline. Affected: yes. Study: VKGL Data-share Consensus. Not counted in ClinVar's aggregate classification.

Joint Genome Diagnostic Labs from Nijmegen and Maastricht, Radboudumc and MUMC+
Classification: Benign. Review status: no assertion criteria provided. Collection method: clinical testing. Allele origin: germline. Affected: yes. Study: VKGL Data-share Consensus. Not counted in ClinVar's aggregate classification.

Literature cited by the submitters: PubMed 26498160 (cited by Women's Health and Genetics/Laboratory Corporation of America, LabCorp).

NM_001267550.2(TTN):c.32480C>T (p.Ala10827Val)

Gene: TTN (titin; minus strand). Cytogenetic location: 2q31.2.
Variant type: single nucleotide variant.
Coding change: c.32480C>T on transcript NM_001267550.2 (MANE Select); coding-DNA position 32480, C replaced by T.
Protein change: p.Ala10827Val; replaces alanine 10827 with valine.
Molecular consequence: missense variant. On other transcripts: intron variant (3).
Genome position (GRCh38, 1-based): chr2:178,684,980, G>A on the plus strand (C>T on the coding strand, the complement: TTN is on the minus strand). VCF-style: chr2-178684980-G-A. GRCh37 (hg19) VCF-style: chr2-179549707-G-A.
Other names: p.A10510V:GCA>GTA; p.Ala10510Val; c.31529C>T, p.Ala10510Val (NM_001256850.1); c.28748C>T, p.Ala9583Val (NM_133378.4); c.13283-42663C>T (NM_003319.4); c.13859-42663C>T (NM_133437.4); c.13658-42663C>T (NM_133432.3); short protein forms A10827V, A9583V, A10510V.
Identifiers: ClinVar variation 46868 (VCV000046868.73), dbSNP rs72650030, ClinGen allele CA139390.
Genomic context (GRCh38, chr2:178,684,980, plus strand): 5'-ACCTTTTCCTTTTTAGGAACTGGAGCAGGAACTTTCTTTTCTGGCACAATTTTCTTAGGT[G>A]CTTCAGGAACTTTAGAAAGATTAGGTTTAAGAATATGAGTTTGCCTTACATATGAAGTGA-3'
Protein context (NP_001254479.2, residues 10817-10837): EEPPPAKVPE[Ala10827Val]PKKIVPEKKV